The following is an entry in ClinVar:

NM_030962.4(SBF2):c.2807-8A>G

Genes: SBF2 (SET binding factor 2; minus strand), LOC101928008 (uncharacterized LOC101928008; plus strand). Cytogenetic location: 11p15.4.
Variant type: single nucleotide variant.
Coding change: c.2807-8A>G on transcript NM_030962.4 (MANE Select); 8 bases into the intron before coding-DNA position 2807, A replaced by G.
Molecular consequence: intron variant.
Genome position (GRCh38, 1-based): chr11:9,847,091, T>C on the plus strand (A>G on the coding strand, the complement: SBF2 is on the minus strand). VCF-style: chr11-9847091-T-C. GRCh37 (hg19) VCF-style: chr11-9868638-T-C.
Other names: c.2678-8A>G (NM_001386342.1); c.2807-8A>G (NM_001386339.1).
Identifiers: ClinVar variation 696203 (VCV000696203.13), dbSNP rs762580844, ClinGen allele CA5881439.
Genomic context (GRCh38, chr11:9,847,091, plus strand): 5'-CTCCTTGGTGATGGAGGCAATGGGAAAGCTCCGCACAACTGTCTGCTCACCCACTGTAAA[T>C]AGACAGGACACAGCTTCAGCAACAACACTTTATAGCTCACTTTTAGAGTGTCTACTGCTT-3'

ClinVar aggregate classification (germline): Likely benign. Review status: criteria provided, multiple submitters, no conflicts (2 of 4 stars). 3 submissions from 3 submitters: Likely benign (3). Last evaluated 2026-05-15.

Conditions:
SBF2-related disorder. Also called: SBF2-related condition.
Charcot-Marie-Tooth disease type 4. Also called: Charcot-Marie-Tooth disease, type IV; Charcot-Marie-Tooth, Type 4. Identifiers: Orphanet 64749, MedGen C4082197, MONDO:0018995.

Allele frequency attached by ClinVar (database versions not stated): gnomAD exomes 0.00012 and 0.00003; ExAC 0.00002; gnomAD 0.00002 and 0.00003; TOPMed 0.00004.
gnomAD v4.1: 174 of 1,613,486 alleles (0.011%); highest among the groups gnomAD compares: Non-Finnish European, 0.014%; no homozygotes.

Submissions (3):

PreventionGenetics, part of Exact Sciences
Classification: Likely benign for SBF2-related condition. Last evaluated: 2026-05-15. Review status: criteria provided, single submitter. Criteria: ACMG Guidelines, 2015. Collection method: clinical testing. Allele origin: germline.
Comment: This variant is classified as likely benign based on ACMG/AMP sequence variant interpretation guidelines (Richards et al. 2015 PMID: 25741868, with internal and published modifications).

Labcorp Genetics (formerly Invitae), Labcorp
Classification: Likely benign for Charcot-Marie-Tooth disease type 4. Last evaluated: 2025-09-22. Review status: criteria provided, single submitter. Criteria: Invitae Variant Classification Sherloc (09022015). Collection method: clinical testing. Allele origin: germline.

Women's Health and Genetics/Laboratory Corporation of America, LabCorp
Classification: Likely benign. Last evaluated: 2025-09-02. Review status: criteria provided, single submitter. Criteria: LabCorp Variant Classification Summary - May 2015. Collection method: clinical testing. Allele origin: germline.